The following is an entry in ClinVar:

ClinVar aggregate classification (germline): Benign (0 of 4 stars; one submission).

Conditions:
NUP37-related disorder. Also called: NUP37-related condition.

Allele frequency attached by ClinVar (database versions not stated): TOPMed 0.02592; ESP Exome Variant Server 0.02630; gnomAD 0.02843; ExAC 0.03233; 1000 Genomes Project 30x 0.02139; 1000 Genomes Project 0.02196; gnomAD exomes 0.02554.
gnomAD v4.1: 40,089 of 1,561,180 alleles (2.6%); highest among the groups gnomAD compares: African/African-American, 3.2%; 644 homozygotes.

Submissions 1 to 33 of 62:

PreventionGenetics, part of Exact Sciences
Classification: Benign for NUP37-related condition. Last evaluated: 2019-10-30. Review status: no assertion criteria provided. Collection method: clinical testing. Allele origin: germline.
Comment: This variant is classified as benign based on ACMG/AMP sequence variant interpretation guidelines (Richards et al. 2015 PMID: 25741868, with internal and published modifications).

Dr. Peter K. Rogan Lab, Western University
No classification provided (evidence only). Condition: Melanoma. Review status: no classification provided. Collection method: in vitro. Allele origin: not applicable. Functional consequence: retained intron. Not counted in ClinVar's aggregate classification.

Dr. Peter K. Rogan Lab, Western University
No classification provided (evidence only). Condition: Melanoma. Review status: no classification provided. Collection method: in vitro. Allele origin: not applicable. Functional consequence: retained intron. Not counted in ClinVar's aggregate classification.

Dr. Peter K. Rogan Lab, Western University
No classification provided (evidence only). Condition: Melanoma. Review status: no classification provided. Collection method: in vitro. Allele origin: not applicable. Functional consequence: retained intron. Not counted in ClinVar's aggregate classification.

Dr. Peter K. Rogan Lab, Western University
No classification provided (evidence only). Condition: Melanoma. Review status: no classification provided. Collection method: in vitro. Allele origin: not applicable. Functional consequence: retained intron. Not counted in ClinVar's aggregate classification.

Dr. Peter K. Rogan Lab, Western University
No classification provided (evidence only). Condition: Melanoma. Review status: no classification provided. Collection method: in vitro. Allele origin: not applicable. Functional consequence: retained intron. Not counted in ClinVar's aggregate classification.

Dr. Peter K. Rogan Lab, Western University
No classification provided (evidence only). Condition: Melanoma. Review status: no classification provided. Collection method: in vitro. Allele origin: not applicable. Functional consequence: retained intron. Not counted in ClinVar's aggregate classification.

Dr. Peter K. Rogan Lab, Western University
No classification provided (evidence only). Condition: Acute myeloid leukemia. Review status: no classification provided. Collection method: in vitro. Allele origin: not applicable. Functional consequence: retained intron. Not counted in ClinVar's aggregate classification.

Dr. Peter K. Rogan Lab, Western University
No classification provided (evidence only). Condition: Acute myeloid leukemia. Review status: no classification provided. Collection method: in vitro. Allele origin: not applicable. Functional consequence: retained intron. Not counted in ClinVar's aggregate classification.

Dr. Peter K. Rogan Lab, Western University
No classification provided (evidence only). Condition: Acute myeloid leukemia. Review status: no classification provided. Collection method: in vitro. Allele origin: not applicable. Functional consequence: retained intron. Not counted in ClinVar's aggregate classification.

Dr. Peter K. Rogan Lab, Western University
No classification provided (evidence only). Condition: Acute myeloid leukemia. Review status: no classification provided. Collection method: in vitro. Allele origin: not applicable. Functional consequence: retained intron. Not counted in ClinVar's aggregate classification.

Dr. Peter K. Rogan Lab, Western University
No classification provided (evidence only). Condition: Acute myeloid leukemia. Review status: no classification provided. Collection method: in vitro. Allele origin: not applicable. Functional consequence: retained intron. Not counted in ClinVar's aggregate classification.

Dr. Peter K. Rogan Lab, Western University
No classification provided (evidence only). Condition: Acute myeloid leukemia. Review status: no classification provided. Collection method: in vitro. Allele origin: not applicable. Functional consequence: retained intron. Not counted in ClinVar's aggregate classification.

Dr. Peter K. Rogan Lab, Western University
No classification provided (evidence only). Condition: Acute myeloid leukemia. Review status: no classification provided. Collection method: in vitro. Allele origin: not applicable. Functional consequence: retained intron. Not counted in ClinVar's aggregate classification.

Dr. Peter K. Rogan Lab, Western University
No classification provided (evidence only). Condition: Acute myeloid leukemia. Review status: no classification provided. Collection method: in vitro. Allele origin: not applicable. Functional consequence: retained intron. Not counted in ClinVar's aggregate classification.

Dr. Peter K. Rogan Lab, Western University
No classification provided (evidence only). Condition: Colon adenocarcinoma. Review status: no classification provided. Collection method: in vitro. Allele origin: not applicable. Functional consequence: retained intron. Not counted in ClinVar's aggregate classification.

Dr. Peter K. Rogan Lab, Western University
No classification provided (evidence only). Condition: Colon adenocarcinoma. Review status: no classification provided. Collection method: in vitro. Allele origin: not applicable. Functional consequence: retained intron. Not counted in ClinVar's aggregate classification.

Dr. Peter K. Rogan Lab, Western University
No classification provided (evidence only). Condition: Colon adenocarcinoma. Review status: no classification provided. Collection method: in vitro. Allele origin: not applicable. Functional consequence: retained intron. Not counted in ClinVar's aggregate classification.

Dr. Peter K. Rogan Lab, Western University
No classification provided (evidence only). Condition: Colon adenocarcinoma. Review status: no classification provided. Collection method: in vitro. Allele origin: not applicable. Functional consequence: retained intron. Not counted in ClinVar's aggregate classification.

Dr. Peter K. Rogan Lab, Western University
No classification provided (evidence only). Condition: Colon adenocarcinoma. Review status: no classification provided. Collection method: in vitro. Allele origin: not applicable. Functional consequence: retained intron. Not counted in ClinVar's aggregate classification.

Dr. Peter K. Rogan Lab, Western University
No classification provided (evidence only). Condition: Colon adenocarcinoma. Review status: no classification provided. Collection method: in vitro. Allele origin: not applicable. Functional consequence: retained intron. Not counted in ClinVar's aggregate classification.

Dr. Peter K. Rogan Lab, Western University
No classification provided (evidence only). Condition: Colon adenocarcinoma. Review status: no classification provided. Collection method: in vitro. Allele origin: not applicable. Functional consequence: retained intron. Not counted in ClinVar's aggregate classification.

Dr. Peter K. Rogan Lab, Western University
No classification provided (evidence only). Condition: Colon adenocarcinoma. Review status: no classification provided. Collection method: in vitro. Allele origin: not applicable. Functional consequence: retained intron. Not counted in ClinVar's aggregate classification.

Dr. Peter K. Rogan Lab, Western University
No classification provided (evidence only). Condition: Colorectal cancer. Review status: no classification provided. Collection method: in vitro. Allele origin: not applicable. Functional consequence: retained intron. Not counted in ClinVar's aggregate classification.

Dr. Peter K. Rogan Lab, Western University
No classification provided (evidence only). Condition: Uterine corpus endometrial carcinoma. Review status: no classification provided. Collection method: in vitro. Allele origin: not applicable. Functional consequence: retained intron. Not counted in ClinVar's aggregate classification.

Dr. Peter K. Rogan Lab, Western University
No classification provided (evidence only). Condition: Uterine corpus endometrial carcinoma. Review status: no classification provided. Collection method: in vitro. Allele origin: not applicable. Functional consequence: retained intron. Not counted in ClinVar's aggregate classification.

Dr. Peter K. Rogan Lab, Western University
No classification provided (evidence only). Condition: Uterine corpus endometrial carcinoma. Review status: no classification provided. Collection method: in vitro. Allele origin: not applicable. Functional consequence: retained intron. Not counted in ClinVar's aggregate classification.

Dr. Peter K. Rogan Lab, Western University
No classification provided (evidence only). Condition: Uterine corpus endometrial carcinoma. Review status: no classification provided. Collection method: in vitro. Allele origin: not applicable. Functional consequence: retained intron. Not counted in ClinVar's aggregate classification.

Dr. Peter K. Rogan Lab, Western University
No classification provided (evidence only). Condition: Uterine corpus endometrial carcinoma. Review status: no classification provided. Collection method: in vitro. Allele origin: not applicable. Functional consequence: retained intron. Not counted in ClinVar's aggregate classification.

Dr. Peter K. Rogan Lab, Western University
No classification provided (evidence only). Condition: Uterine corpus endometrial carcinoma. Review status: no classification provided. Collection method: in vitro. Allele origin: not applicable. Functional consequence: retained intron. Not counted in ClinVar's aggregate classification.

Dr. Peter K. Rogan Lab, Western University
No classification provided (evidence only). Condition: Cervical cancer. Review status: no classification provided. Collection method: in vitro. Allele origin: not applicable. Functional consequence: retained intron. Not counted in ClinVar's aggregate classification.

Dr. Peter K. Rogan Lab, Western University
No classification provided (evidence only). Condition: Cervical cancer. Review status: no classification provided. Collection method: in vitro. Allele origin: not applicable. Functional consequence: retained intron. Not counted in ClinVar's aggregate classification.

Dr. Peter K. Rogan Lab, Western University
No classification provided (evidence only). Condition: Cervical cancer. Review status: no classification provided. Collection method: in vitro. Allele origin: not applicable. Functional consequence: retained intron. Not counted in ClinVar's aggregate classification.

NM_024057.4(NUP37):c.315A>G (p.Arg105=)

Gene: NUP37 (nucleoporin 37; minus strand). Cytogenetic location: 12q23.2.
Variant type: single nucleotide variant.
Coding change: c.315A>G on transcript NM_024057.4 (MANE Select); coding-DNA position 315, A replaced by G.
Protein change: p.Arg105=; no amino-acid change (arginine 105 retained).
Molecular consequence: synonymous variant.
Genome position (GRCh38, 1-based): chr12:102,101,071, T>C on the plus strand (A>G on the coding strand, the complement: NUP37 is on the minus strand). VCF-style: chr12-102101071-T-C. GRCh37 (hg19) VCF-style: chr12-102494849-T-C.
Other names: NC_000012.11:g.102494849T>C.
Identifiers: ClinVar variation 3037376 (VCV003037376.3), dbSNP rs17438178, ClinGen allele CA6747732.